The following is an entry in ClinVar:

ClinVar aggregate classification (germline): Uncertain significance (1 of 4 stars; one submission).

Conditions:
Familial hemophagocytic lymphohistiocytosis 3 (FHL3). Also called: UNC13D-Related Familial Hemophagocytic Lymphohistiocytosis (UNC13D-fHLH). Identifiers: Orphanet 540, MedGen C1837174, MONDO:0012146, OMIM 608898.

Allele frequency attached by ClinVar (database versions not stated): gnomAD 0.00002; gnomAD exomes 0.00002 and 0.00004; ExAC 0.00003; TOPMed 0.00004; ESP Exome Variant Server 0.00008.
gnomAD v4.1: 57 of 1,613,636 alleles (0.0035%); highest among the groups gnomAD compares: African/African-American, 0.008%; no homozygotes.

Submission:

Labcorp Genetics (formerly Invitae), Labcorp
Classification: Uncertain significance for Familial hemophagocytic lymphohistiocytosis 3. Last evaluated: 2022-08-22. Review status: criteria provided, single submitter. Criteria: Invitae Variant Classification Sherloc (09022015). Collection method: clinical testing. Allele origin: germline.
Comment: This sequence change affects codon 767 of the UNC13D mRNA. It is a 'silent' change, meaning that it does not change the encoded amino acid sequence of the UNC13D protein. It affects a nucleotide within the consensus splice site. This variant is present in population databases (rs371685442, gnomAD 0.008%). This variant has not been reported in the literature in individuals affected with UNC13D-related conditions. ClinVar contains an entry for this variant (Variation ID: 1426411). Algorithms developed to predict the effect of sequence changes on RNA splicing suggest that this variant is not likely to affect RNA splicing. In summary, the available evidence is currently insufficient to determine the role of this variant in disease. Therefore, it has been classified as a Variant of Uncertain Significance.

NM_199242.3(UNC13D):c.2299T>C (p.Leu767=)

Gene: UNC13D (unc-13 homolog D; minus strand). Cytogenetic location: 17q25.1.
Variant type: single nucleotide variant.
Coding change: c.2299T>C on transcript NM_199242.3 (MANE Select); coding-DNA position 2299, T replaced by C.
Protein change: p.Leu767=; no amino-acid change (leucine 767 retained).
Molecular consequence: synonymous variant.
Genome position (GRCh38, 1-based): chr17:75,834,143, A>G on the plus strand (T>C on the coding strand, the complement: UNC13D is on the minus strand). VCF-style: chr17-75834143-A-G. GRCh37 (hg19) VCF-style: chr17-73830224-A-G.
Identifiers: ClinVar variation 1426411 (VCV001426411.3), dbSNP rs371685442, ClinGen allele CA8772596.